The following is an entry in ClinVar:

ClinVar aggregate classification (germline): Likely benign (1 of 4 stars; one submission).

Conditions:
SEMA3F-related disorder. Also called: SEMA3F-related condition.

gnomAD v4.1: 4 of 1,614,092 alleles (0.00025%); highest among the groups gnomAD compares: Admixed American, 0.0067%; no homozygotes.

Submission:

PreventionGenetics, part of Exact Sciences
Classification: Likely benign for SEMA3F-related condition. Last evaluated: 2026-01-23. Review status: criteria provided, single submitter. Criteria: ACMG Guidelines, 2015. Collection method: clinical testing. Allele origin: germline.
Comment: This variant is classified as likely benign based on ACMG/AMP sequence variant interpretation guidelines (Richards et al. 2015 PMID: 25741868, with internal and published modifications).

NM_004186.5(SEMA3F):c.1197C>T (p.Pro399=)

Gene: SEMA3F (semaphorin 3F; plus strand). Cytogenetic location: 3p21.31.
Variant type: single nucleotide variant.
Coding change: c.1197C>T on transcript NM_004186.5 (MANE Select); coding-DNA position 1197, C replaced by T.
Protein change: p.Pro399=; no amino-acid change (proline 399 retained).
Molecular consequence: synonymous variant.
Genome position (GRCh38, 1-based): chr3:50,183,528, C>T. VCF-style: chr3-50183528-C-T. GRCh37 (hg19) VCF-style: chr3-50220961-C-T.
Other names: c.900C>T, p.Pro300= (NM_001318798.2); c.1104C>T, p.Pro368= (NM_001318800.2).
Identifiers: ClinVar variation 4996717 (VCV004996717.1).
Genomic context (GRCh38, chr3:50,183,528, plus strand): 5'-TCGCATGGTCTTCAACGGGCCCTTTGCCCACAAAGAGGGGCCCAACTACCAGTGGATGCC[C>T]TTCTCAGGGAAGATGCCCTACCCACGGCCGGGCACGGTAAGGACCCCACTCATCCTGCCT-3'
Protein context (NP_004177.3, residues 389-409): HKEGPNYQWM[Pro399=]FSGKMPYPRP